The following is an entry in ClinVar:

NM_001267550.2(TTN):c.29815G>C (p.Glu9939Gln)

Gene: TTN (titin; minus strand). Cytogenetic location: 2q31.2.
Variant type: single nucleotide variant.
Coding change: c.29815G>C on transcript NM_001267550.2 (MANE Select); coding-DNA position 29815, G replaced by C.
Protein change: p.Glu9939Gln; replaces glutamic acid 9939 with glutamine.
Molecular consequence: missense variant. On other transcripts: intron variant (3).
Genome position (GRCh38, 1-based): chr2:178,704,657, C>G on the plus strand (G>C on the coding strand, the complement: TTN is on the minus strand). VCF-style: chr2-178704657-C-G. GRCh37 (hg19) VCF-style: chr2-179569384-C-G.
Other names: c.28864G>C, p.Glu9622Gln (NM_001256850.1); c.13282+33425G>C (NM_003319.4); c.13858+33425G>C (NM_133437.4); c.13657+33425G>C (NM_133432.3); c.26083G>C, p.Glu8695Gln (NM_133378.4); short protein forms E8695Q, E9939Q, E9622Q.
Identifiers: ClinVar variation 166126 (VCV000166126.5), dbSNP rs727503638, ClinGen allele CA178920.

ClinVar aggregate classification (germline): Likely benign (1 of 4 stars; one submission).

Allele frequency attached by ClinVar (database versions not stated): gnomAD exomes 0.00001; ExAC 0.00002.
gnomAD v4.1: 10 of 1,612,164 alleles (0.00062%); highest among the groups gnomAD compares: South Asian, 0.011%; no homozygotes.

Submission:

Laboratory for Molecular Medicine, Mass General Brigham Personalized Medicine
Classification: Likely benign. Last evaluated: 2014-04-03. Review status: criteria provided, single submitter. Criteria: LMM Criteria. Collection method: clinical testing. Allele origin: germline. Observed: 1 variant allele.
Comment: Glu8695Gln in exon 102 of TTN: This variant is not expected to have clinical sig nificance due to a lack of conservation across species, including mammals. Of no te, 4 primates as well as multiple bird and fish species have a glutamine (Gln) at this position despite high nearby amino acid conservation. In addition, compu tational prediction tools do not suggest a high likelihood of impact to the prot ein.